The following is an entry in ClinVar:

ClinVar aggregate classification (germline): Conflicting classifications of pathogenicity. Review status: criteria provided, conflicting classifications (1 of 4 stars). 2 submissions from 2 submitters: Likely pathogenic (1); Uncertain significance (1). Last evaluated 2024-06-19.

Conditions:
Ataxia-telangiectasia syndrome (AT). Also called: AT, COMPLEMENTATION GROUP C; Ataxia-telangiectasia, complementation group D; ATAXIA-TELANGIECTASIA, COMPLEMENTATION GROUP A; ATAXIA-TELANGIECTASIA, FRESNO VARIANT; Ataxia-telangiectasia; Ataxia-telangiectasia, complementation group E. Identifiers: Orphanet 100, MedGen C0004135, MONDO:0008840, OMIM 208900.
Hereditary cancer-predisposing syndrome. Also called: Tumor predisposition; Hereditary Cancer Syndrome; Hereditary neoplastic syndrome; Neoplastic Syndromes, Hereditary. Identifiers: Orphanet 140162, MedGen C0027672, MeSH D009386, MONDO:0015356.

Allele frequency attached by ClinVar (database versions not stated): TOPMed below 0.00001.

Submissions (2):

Labcorp Genetics (formerly Invitae), Labcorp
Classification: Likely pathogenic for Ataxia-telangiectasia syndrome. Last evaluated: 2024-06-19. Review status: criteria provided, single submitter. Criteria: Invitae Variant Classification Sherloc (09022015). Collection method: clinical testing. Allele origin: germline.
Comment: This sequence change falls in intron 58 of the ATM gene. It does not directly change the encoded amino acid sequence of the ATM protein. RNA analysis indicates that this variant induces altered splicing and may result in an absent or disrupted protein product. This variant is not present in population databases (gnomAD no frequency). This variant has not been reported in the literature in individuals affected with ATM-related conditions. Studies have shown that this variant results in activation of a cryptic splice site and introduces a premature termination codon (Invitae). The resulting mRNA is expected to undergo nonsense-mediated decay. In summary, the currently available evidence indicates that the variant is pathogenic, but additional data are needed to prove that conclusively. Therefore, this variant has been classified as Likely Pathogenic.

Ambry Genetics
Classification: Uncertain significance for Hereditary cancer-predisposing syndrome. Last evaluated: 2022-03-16. Review status: criteria provided, single submitter. Criteria: Ambry Variant Classification Scheme 2023. Collection method: clinical testing. Allele origin: germline.
Comment: The c.8585-364A>G intronic alteration consists of a A to G substitution 364 nucleotides before coding exon 58 in the ATM gene. Based on insufficient or conflicting evidence, the clinical significance of this alteration remains unclear.

NM_000051.4(ATM):c.8585-364A>G

Genes: ATM (ATM serine/threonine kinase; plus strand), C11orf65 (chromosome 11 open reading frame 65; minus strand). Cytogenetic location: 11q22.3.
Variant type: single nucleotide variant.
Coding change: c.8585-364A>G on transcript NM_000051.4 (MANE Select); 364 bases into the intron before coding-DNA position 8585, A replaced by G.
Molecular consequence: intron variant.
Genome position (GRCh38, 1-based): chr11:108,346,915, A>G. VCF-style: chr11-108346915-A-G. GRCh37 (hg19) VCF-style: chr11-108217642-A-G.
Other names: c.8585-364A>G (NM_001351834.2); c.641-37844T>C (NM_001330368.2); c.695-11623T>C (NM_001351110.2).
Identifiers: ClinVar variation 3131081 (VCV003131081.3), dbSNP rs2088491412, ClinGen allele CA1998817679.
Genomic context (GRCh38, chr11:108,346,915, plus strand): 5'-CATCAAGGAGAAGAAAGTTTCACTGAAGAGTGAAGAGTTTATCCATAGACTTCTCATTTT[A>G]TAAGTATGTTCAATAAAAATTTGAGTACATATAATGCACAGCTTTGACCCAGGTAAATAA-3'